The following is an entry in ClinVar:

NM_000875.5(IGF1R):c.1381C>T (p.Arg461Cys)

Gene: IGF1R (insulin like growth factor 1 receptor; plus strand). Cytogenetic location: 15q26.3.
Variant type: single nucleotide variant.
Coding change: c.1381C>T on transcript NM_000875.5 (MANE Select); coding-DNA position 1381, C replaced by T.
Protein change: p.Arg461Cys; replaces arginine 461 with cysteine.
Molecular consequence: missense variant.
Genome position (GRCh38, 1-based): chr15:98,908,818, C>T. VCF-style: chr15-98908818-C-T. GRCh37 (hg19) VCF-style: chr15-99452047-C-T.
Other names: c.1381C>T, p.Arg461Cys (NM_001291858.2); short protein forms R461C.
Identifiers: ClinVar variation 2502144 (VCV002502144.2), dbSNP rs1009888118, ClinGen allele CA275375948.
Genomic context (GRCh38, chr15:98,908,818, plus strand): 5'-ATCAAAGCAGGGAAAATGTACTTTGCTTTCAATCCCAAATTATGTGTTTCCGAAATTTAC[C>T]GCATGGAGGAAGTGACGGGGACTAAAGGGCGCCAAAGCAAAGGGGACATAAACACCAGGA-3'
Protein context (NP_000866.1, residues 451-471): NPKLCVSEIY[Arg461Cys]MEEVTGTKGR

ClinVar aggregate classification (germline): Uncertain significance. Review status: criteria provided, multiple submitters, no conflicts (2 of 4 stars). 2 submissions from 2 submitters: Uncertain significance (2). Last evaluated 2022-11-09.

Allele frequency attached by ClinVar (database versions not stated): gnomAD exomes 0.00001; gnomAD 0.00002; TOPMed 0.00002.
gnomAD v4.1: 21 of 1,613,950 alleles (0.0013%); highest among the groups gnomAD compares: South Asian, 0.0044%; no homozygotes.

Submissions (2):

GeneDx
Classification: Uncertain significance. Last evaluated: 2022-11-09. Review status: criteria provided, single submitter. Criteria: GeneDx Variant Classification Process June 2021. Collection method: clinical testing. Allele origin: germline. Affected: yes.
Comment: Not observed at significant frequency in large population cohorts (gnomAD); In silico analysis supports that this missense variant has a deleterious effect on protein structure/function; Has not been previously published as pathogenic or benign to our knowledge

Blueprint Genetics
Classification: Uncertain significance. Last evaluated: 2017-12-19. Review status: criteria provided, single submitter. Criteria: ACMG Guidelines, 2015. Collection method: clinical testing. Allele origin: germline.